The following is an entry in ClinVar:

NM_002234.4(KCNA5):c.929C>T (p.Pro310Leu)

Gene: KCNA5 (potassium voltage-gated channel subfamily A member 5; plus strand). Cytogenetic location: 12p13.32.
Variant type: single nucleotide variant.
Coding change: c.929C>T on transcript NM_002234.4 (MANE Select); coding-DNA position 929, C replaced by T.
Protein change: p.Pro310Leu; replaces proline 310 with leucine.
Molecular consequence: missense variant.
Genome position (GRCh38, 1-based): chr12:5,045,076, C>T. VCF-style: chr12-5045076-C-T. GRCh37 (hg19) VCF-style: chr12-5154242-C-T.
Other names: short protein forms P310L.
Identifiers: ClinVar variation 191571 (VCV000191571.52), dbSNP rs17215402, ClinGen allele CA199947.
Genomic context (GRCh38, chr12:5,045,076, plus strand): 5'-AGCCTCCCGCGCCCGCCCCTGGGGCCAACGGCAGCGGGGTCATGGCCCCGCCCTCTGGCC[C>T]TACGGTGGCACCGCTCCTGCCCAGGACCCTGGCCGACCCCTTCTTCATCGTGGAGACCAC-3'
Protein context (NP_002225.2, residues 300-320): GSGVMAPPSG[Pro310Leu]TVAPLLPRTL

ClinVar aggregate classification (germline): Benign/Likely benign. Review status: criteria provided, multiple submitters, no conflicts (2 of 4 stars). 11 submissions from 11 submitters: Benign (3); Likely benign (5). 3 of the submissions do not count toward it. Last evaluated 2026-01-28.

Conditions:
KCNA5-related disorder. Also called: KCNA5-related condition.
Atrial fibrillation, familial, 7 (ATFB7). Identifiers: MedGen C2677106, MONDO:0012828, OMIM 612240.

Allele frequency attached by ClinVar (database versions not stated): 1000 Genomes Project 30x 0.00312; 1000 Genomes Project 0.00319; ExAC 0.00371; gnomAD exomes 0.00396 and 0.00698; TOPMed 0.00433; gnomAD 0.00438 and 0.00439; ESP Exome Variant Server 0.00454.
gnomAD v4.1: 10,835 of 1,613,068 alleles (0.67%); highest among the groups gnomAD compares: Non-Finnish European, 0.81%; 44 homozygotes.

Submissions (11):

Labcorp Genetics (formerly Invitae), Labcorp
Classification: Benign for Atrial fibrillation, familial, 7. Last evaluated: 2026-01-28. Review status: criteria provided, single submitter. Criteria: Invitae Variant Classification Sherloc (09022015). Collection method: clinical testing. Allele origin: germline.

CeGaT Center for Human Genetics Tuebingen
Classification: Likely benign. Last evaluated: 2023-11-01. Review status: criteria provided, single submitter. Criteria: CeGaT Center For Human Genetics Tuebingen Variant Classification Criteria Version 2. Collection method: clinical testing. Allele origin: germline. Affected: yes. Observed: 2 variant alleles.
Comment: KCNA5: BS2

Women's Health and Genetics/Laboratory Corporation of America, LabCorp
Classification: Likely benign. Last evaluated: 2023-10-19. Review status: criteria provided, single submitter. Criteria: LabCorp Variant Classification Summary - May 2015. Collection method: clinical testing. Allele origin: germline.

ARUP Laboratories, Molecular Genetics and Genomics, ARUP Laboratories
Classification: Likely benign for Atrial fibrillation, familial, 7. Last evaluated: 2021-01-12. Review status: criteria provided, single submitter. Criteria: ARUP Molecular Germline Variant Investigation Process 2021. Collection method: clinical testing. Allele origin: germline.

GeneDx
Classification: Benign. Last evaluated: 2018-11-01. Review status: criteria provided, single submitter. Criteria: GeneDx Variant Classification Process June 2021. Collection method: clinical testing. Allele origin: germline. Affected: yes.

Illumina Laboratory Services, Illumina
Classification: Likely benign for Atrial fibrillation, familial, 7. Last evaluated: 2017-04-27. Review status: criteria provided, single submitter. Criteria: ICSL Variant Classification Criteria 13 December 2019. Collection method: clinical testing. Allele origin: germline.
Comment: This variant was observed as part of a predisposition screen in an ostensibly healthy population. A literature search was performed for the gene, cDNA change, and amino acid change (where applicable). Publications were found based on this search. The evidence from the literature, in combination with allele frequency data from public databases where available, was sufficient to determine this variant is unlikely to cause disease. Therefore, this variant is classified as likely benign.

Biesecker Lab/Clinical Genomics Section, National Institutes of Health
Classification: Benign. Last evaluated: 2013-06-24. Review status: criteria provided, single submitter. Criteria: Ng et al. (Circ Cardiovasc Genet. 2013). Collection method: research. Allele origin: unknown. Observed: 5 variant alleles. Study: ClinSeq.
Comment: The study set was not selected for affection status in relation to any cancer. Pathogenicity categories were based on literature curation. See Pubmed ID:23861362 for details.

Medical sequencing

Breakthrough Genomics
Classification: Likely benign. Review status: criteria provided, single submitter. Criteria: ACMG Guidelines, 2015. Collection method: not provided. Allele origin: germline. Inheritance: Autosomal dominant inheritance. Affected: yes.

PreventionGenetics, part of Exact Sciences
Classification: Benign for KCNA5-related condition. Last evaluated: 2019-08-07. Review status: no assertion criteria provided. Collection method: clinical testing. Allele origin: germline. Not counted in ClinVar's aggregate classification.
Comment: This variant is classified as benign based on ACMG/AMP sequence variant interpretation guidelines (Richards et al. 2015 PMID: 25741868, with internal and published modifications).

Clinical Genetics, Academic Medical Center
Classification: Benign. Review status: no assertion criteria provided. Collection method: clinical testing. Allele origin: germline. Affected: yes. Study: VKGL Data-share Consensus. Not counted in ClinVar's aggregate classification.

Genome Diagnostics Laboratory, University Medical Center Utrecht
Classification: Benign. Review status: no assertion criteria provided. Collection method: clinical testing. Allele origin: germline. Affected: yes. Study: VKGL Data-share Consensus. Not counted in ClinVar's aggregate classification.

Literature cited by the submitters: PubMed 15735608 (cited by Illumina Laboratory Services, Illumina); PubMed 22402074 (cited by Illumina Laboratory Services, Illumina).